The following is an entry in ClinVar:

NM_022835.3(PLEKHG2):c.3272G>A (p.Gly1091Asp)

Gene: PLEKHG2 (pleckstrin homology and RhoGEF domain containing G2; plus strand). Cytogenetic location: 19q13.2.
Variant type: single nucleotide variant.
Coding change: c.3272G>A on transcript NM_022835.3 (MANE Select); coding-DNA position 3272, G replaced by A.
Protein change: p.Gly1091Asp; replaces glycine 1091 with aspartic acid.
Molecular consequence: missense variant. On other transcripts: intron variant (1).
Genome position (GRCh38, 1-based): chr19:39,424,405, G>A. VCF-style: chr19-39424405-G-A. GRCh37 (hg19) VCF-style: chr19-39915045-G-A.
Other names: c.3095G>A, p.Gly1032Asp (NM_001351693.2); c.1678-833G>A (NM_001351694.2); short protein forms G1032D, G1091D.
Identifiers: ClinVar variation 1299695 (VCV001299695.1), dbSNP rs2146020906, ClinGen allele CA405805069.

ClinVar aggregate classification (germline): Uncertain significance (1 of 4 stars; one submission).

Conditions:
Leukodystrophy and acquired microcephaly with or without dystonia;. Also called: Leukodystrophy and acquired microcephaly with or without dystonia. Identifiers: MedGen C4225213, MONDO:0014766, OMIM 616763.

gnomAD v4.1: 4 of 1,614,052 alleles (0.00025%); highest among the groups gnomAD compares: Non-Finnish European, 0.00025%; no homozygotes.

Submission:

Breda Genetics srl
Classification: Uncertain significance for Leukodystrophy and acquired microcephaly with or without dystonia;. Last evaluated: 2020-09-22. Review status: criteria provided, single submitter. Criteria: ACMG Guidelines, 2015. Collection method: clinical testing. Allele origin: germline. Inheritance: Autosomal recessive inheritance. Affected: yes. Observed: 1 variant allele, 1 heterozygote.
Comment: Based on allele frequency, in-silico prediction scores and a certain overlap with the clinical phenotype, we interpreted this variant at least as of uncertain significance. The lack of one or more of the following features has discouraged further investigations: lack of a possible second hit in autosomal recessive conditions, presence of healthy controls in databases for autosomal dominant conditions, presence of unmatching cardinal clinical features in the patient or in the known gene-disease association, and/or variant type outside the known gene mutational spectrum.